The following is an entry in ClinVar:

ClinVar aggregate classification (germline): Uncertain significance (1 of 4 stars; one submission).

Allele frequency attached by ClinVar (database versions not stated): gnomAD 0.00001 and 0.00002; gnomAD exomes 0.00001 and 0.00003; ExAC 0.00004; TOPMed 0.00005.
gnomAD v4.1: 18 of 1,612,726 alleles (0.0011%); highest among the groups gnomAD compares: Admixed American, 0.0033%; no homozygotes.

Submission:

Labcorp Genetics (formerly Invitae), Labcorp
Classification: Uncertain significance. Last evaluated: 2025-04-21. Review status: criteria provided, single submitter. Criteria: Invitae Variant Classification Sherloc (09022015). Collection method: clinical testing. Allele origin: germline.
Comment: This sequence change replaces arginine, which is basic and polar, with cysteine, which is neutral and slightly polar, at codon 1886 of the ASPM protein (p.Arg1886Cys). This variant is present in population databases (rs781257567, gnomAD 0.005%). This variant has not been reported in the literature in individuals affected with ASPM-related conditions. ClinVar contains an entry for this variant (Variation ID: 1494569). Invitae Evidence Modeling of protein sequence and biophysical properties (such as structural, functional, and spatial information, amino acid conservation, physicochemical variation, residue mobility, and thermodynamic stability) indicates that this missense variant is not expected to disrupt ASPM protein function with a negative predictive value of 80%. In summary, the available evidence is currently insufficient to determine the role of this variant in disease. Therefore, it has been classified as a Variant of Uncertain Significance.

NM_018136.5(ASPM):c.5656C>T (p.Arg1886Cys)

Gene: ASPM (assembly factor for spindle microtubules; minus strand). Cytogenetic location: 1q31.3.
Variant type: single nucleotide variant.
Coding change: c.5656C>T on transcript NM_018136.5 (MANE Select); coding-DNA position 5656, C replaced by T.
Protein change: p.Arg1886Cys; replaces arginine 1886 with cysteine.
Molecular consequence: missense variant. On other transcripts: intron variant (1).
Genome position (GRCh38, 1-based): chr1:197,103,595, G>A on the plus strand (C>T on the coding strand, the complement: ASPM is on the minus strand). VCF-style: chr1-197103595-G-A. GRCh37 (hg19) VCF-style: chr1-197072725-G-A.
Other names: c.4066-7431C>T (NM_001206846.2); short protein forms R1886C.
Identifiers: ClinVar variation 1494569 (VCV001494569.8), dbSNP rs781257567, ClinGen allele CA1309715.
Genomic context (GRCh38, chr1:197,103,595, plus strand): 5'-ACTGAATCTTCAAGGCAGCTTGATGTTCCCTTCTAATCTGTTTCCGAACCTTCCAGCCAC[G>A]ATAAGCAGACTGGAGGGAAATCACAGCTGCCTTTGTCTTCAAAAAATGTGTTCTTGTATC-3'
Protein context (NP_060606.3, residues 1876-1896): AAVISLQSAY[Arg1886Cys]GWKVRKQIRR